The following is an entry in ClinVar:

NM_005050.4(ABCD4):c.1190C>A (p.Pro397His)

Gene: ABCD4 (ATP binding cassette subfamily D member 4; minus strand). Cytogenetic location: 14q24.3.
Variant type: single nucleotide variant.
Coding change: c.1190C>A on transcript NM_005050.4 (MANE Select); coding-DNA position 1190, C replaced by A.
Protein change: p.Pro397His; replaces proline 397 with histidine.
Molecular consequence: missense variant. On other transcripts: non-coding transcript variant (10).
Genome position (GRCh38, 1-based): chr14:74,290,428, G>T on the plus strand (C>A on the coding strand, the complement: ABCD4 is on the minus strand). VCF-style: chr14-74290428-G-T. GRCh37 (hg19) VCF-style: chr14-74757131-G-T.
Other names: c.401C>A, p.Pro134His (NM_001353602.2, NM_001353603.2, NM_001353604.2 and 6 more transcripts); c.1064C>A, p.Pro355His (NM_001353591.2, NM_001353592.2); c.929C>A, p.Pro310His (NM_001353593.2); c.878C>A, p.Pro293His (NM_001353594.2); c.776C>A, p.Pro259His (NM_001353595.2, NM_001353596.2); c.725C>A, p.Pro242His (NM_001353597.2); c.713C>A, p.Pro238His (NM_001353598.2, NM_001353599.2, NM_001353600.2 and 2 more transcripts); c.1190C>A, p.Pro397His (NM_020325.3); short protein forms P242H, P134H, P259H, P310H, P355H, P238H, P293H, P397H.
Identifiers: ClinVar variation 3689515 (VCV003689515.2).

ClinVar aggregate classification (germline): Uncertain significance (1 of 4 stars; one submission).

Conditions:
Methylmalonic acidemia with homocystinuria, type cblJ (MAHCJ). Also called: METHYLMALONIC ACIDURIA AND HOMOCYSTINURIA, cblJ TYPE. Identifiers: Orphanet 369955, MedGen C3553915, MONDO:0013925, OMIM 614857.

gnomAD v4.1: 1 of 1,614,088 alleles (0.000062%); highest among the groups gnomAD compares: South Asian, 0.0011%; no homozygotes.

Submission:

Labcorp Genetics (formerly Invitae), Labcorp
Classification: Uncertain significance for Methylmalonic acidemia with homocystinuria, type cblJ. Last evaluated: 2024-10-19. Review status: criteria provided, single submitter. Criteria: Invitae Variant Classification Sherloc (09022015). Collection method: clinical testing. Allele origin: germline.
Comment: This sequence change replaces proline, which is neutral and non-polar, with histidine, which is basic and polar, at codon 397 of the ABCD4 protein (p.Pro397His). The frequency data for this variant in the population databases is considered unreliable, as metrics indicate poor data quality at this position in the gnomAD database. This variant has not been reported in the literature in individuals affected with ABCD4-related conditions. Invitae Evidence Modeling of protein sequence and biophysical properties (such as structural, functional, and spatial information, amino acid conservation, physicochemical variation, residue mobility, and thermodynamic stability) indicates that this missense variant is expected to disrupt ABCD4 protein function with a positive predictive value of 95%. In summary, the available evidence is currently insufficient to determine the role of this variant in disease. Therefore, it has been classified as a Variant of Uncertain Significance.